The following is an entry in ClinVar:

ClinVar aggregate classification (germline): Uncertain significance. Review status: criteria provided, multiple submitters, no conflicts (2 of 4 stars). 2 submissions from 2 submitters: Uncertain significance (2). Last evaluated 2023-07-07.

Conditions:
Inborn genetic diseases. Identifiers: MedGen C0950123, MeSH D030342.
Nemaline myopathy 9 (NEM9). Identifiers: MedGen C3810384, MONDO:0014326, OMIM 615731.

Allele frequency attached by ClinVar (database versions not stated): TOPMed below 0.00001; gnomAD 0.00001; gnomAD exomes 0.00001.
gnomAD v4.1: 13 of 1,613,378 alleles (0.00081%); highest among the groups gnomAD compares: Middle Eastern, 0.016%; no homozygotes.

Submissions (2):

Labcorp Genetics (formerly Invitae), Labcorp
Classification: Uncertain significance for Nemaline myopathy 9. Last evaluated: 2023-07-07. Review status: criteria provided, single submitter. Criteria: Invitae Variant Classification Sherloc (09022015). Collection method: clinical testing. Allele origin: germline.
Comment: This sequence change replaces asparagine, which is neutral and polar, with aspartic acid, which is acidic and polar, at codon 566 of the KLHL41 protein (p.Asn566Asp). In summary, the available evidence is currently insufficient to determine the role of this variant in disease. Therefore, it has been classified as a Variant of Uncertain Significance. An algorithm developed to predict the effect of missense changes on protein structure and function (PolyPhen-2) suggests that this variant¬†is likely to be tolerated. ClinVar contains an entry for this variant (Variation ID: 541706). This variant has not been reported in the literature in individuals affected with KLHL41-related conditions. This variant is not present in population databases (gnomAD no frequency).

Ambry Genetics
Classification: Uncertain significance for Inborn genetic diseases. Last evaluated: 2021-08-02. Review status: criteria provided, single submitter. Criteria: Ambry Variant Classification Scheme 2023. Collection method: clinical testing. Allele origin: germline.

NM_006063.3(KLHL41):c.1696A>G (p.Asn566Asp)

Gene: KLHL41 (kelch like family member 41; plus strand). Cytogenetic location: 2q31.1.
Variant type: single nucleotide variant.
Coding change: c.1696A>G on transcript NM_006063.3 (MANE Select); coding-DNA position 1696, A replaced by G.
Protein change: p.Asn566Asp; replaces asparagine 566 with aspartic acid.
Molecular consequence: missense variant.
Genome position (GRCh38, 1-based): chr2:169,520,994, A>G. VCF-style: chr2-169520994-A-G. GRCh37 (hg19) VCF-style: chr2-170377504-A-G.
Other names: short protein forms N566D.
Identifiers: ClinVar variation 541706 (VCV000541706.7), dbSNP rs1237694295, ClinGen allele CA349180124.